The following is an entry in ClinVar:

ClinVar aggregate classification (germline): Likely pathogenic (1 of 4 stars; one submission).

Submission:

Labcorp Genetics (formerly Invitae), Labcorp
Classification: Likely pathogenic. Last evaluated: 2023-10-03. Review status: criteria provided, single submitter. Criteria: Invitae Variant Classification Sherloc (09022015). Collection method: clinical testing. Allele origin: unknown.
Comment: This variant results in a copy number gain of the genomic region encompassing exon(s) 13-16 of the ADAMTS18 gene. While the exact position of this variant cannot be determined from the data, sub-genic copy number gains are generally in tandem (PMID: 25640679). This variant is predicted to be out-of-frame, and may result in an absent or disrupted protein product. Loss-of-function variants in ADAMTS18 are known to be pathogenic (PMID: 23818446, 24874986). This variant has not been reported in the literature in individuals affected with ADAMTS18-related conditions. In summary, the currently available evidence indicates that the variant is pathogenic, but additional data are needed to prove that conclusively. Therefore, this variant has been classified as Likely Pathogenic.

Literature cited by the submitters: PubMed 25640679; PubMed 23818446; PubMed 24874986.

NC_000016.9:g.(?_77353726)_(77359955_?)dup

Gene: ADAMTS18 (ADAM metallopeptidase with thrombospondin type 1 motif 18; minus strand). Cytogenetic location: 16q23.1.
Variant type: Duplication.
Identifiers: ClinVar variation 3243680 (VCV003243680.1).